The following is an entry in ClinVar:

ClinVar aggregate classification (germline): Conflicting classifications of pathogenicity. Review status: criteria provided, conflicting classifications (1 of 4 stars). 3 submissions from 3 submitters: Pathogenic (1); Likely pathogenic (1); Uncertain significance (1). Last evaluated 2026-06-08.

Conditions:
Genitopatellar syndrome (GTPTS). Also called: Genitopatellar syndrome (GPS); ABSENT PATELLAE, SCROTAL HYPOPLASIA, RENAL ANOMALIES, FACIAL DYSMORPHISM, AND MENTAL RETARDATION. Identifiers: Orphanet 85201, MedGen C1853566, MONDO:0011640, OMIM 606170.
Blepharophimosis - intellectual disability syndrome, SBBYS type (SBBYSS). Also called: Say-Barber-Biesecker variant of Ohdo syndrome (SBBYSS); Say-Barber-Biesecker-Young-Simpson variant of Ohdo Syndrome; Say-Barber-Biesecker Variant of Ohdo Syndrome; Young Simpson syndrome; Mental retardation unusual facies hypothyroidism; Ohdo syndrome, SBBYS variant. Identifiers: Orphanet 3047, MedGen C1863557, MONDO:0011365, OMIM 603736.

Submissions (3):

Department of Human Genetics, Hannover Medical School
Classification: Likely pathogenic for Blepharophimosis - intellectual disability syndrome, SBBYS type. Last evaluated: 2026-06-08. Review status: criteria provided, single submitter. Criteria: ACMG Guidelines, 2015. Collection method: clinical testing. Allele origin: germline. Affected: yes.
Comment: PVS1, PM2_Supporting

GeneDx
Classification: Pathogenic. Last evaluated: 2025-10-28. Review status: criteria provided, single submitter. Criteria: GeneDx Variant Classification Process June 2021. Collection method: clinical testing. Allele origin: germline. Affected: yes.
Comment: Nonsense variant predicted to result in protein truncation or nonsense mediated decay in a gene for which loss of function is a known mechanism of disease; Not observed at significant frequency in large population cohorts (gnomAD); Has not been previously published as pathogenic or benign to our knowledge

Labcorp Genetics (formerly Invitae), Labcorp
Classification: Uncertain significance for Genitopatellar syndrome. Last evaluated: 2023-08-04. Review status: criteria provided, single submitter. Criteria: Invitae Variant Classification Sherloc (09022015). Collection method: clinical testing. Allele origin: germline.
Comment: This sequence change creates a premature translational stop signal (p.Arg153*) in the KAT6B gene. However, it is currently unclear if variants that occur in this region of the gene cause disease. This variant is not present in population databases (gnomAD no frequency). This premature translational stop signal has been observed in individual(s) with clinical features of KAT6B-related conditions (Invitae). ClinVar contains an entry for this variant (Variation ID: 620483). In summary, the available evidence is currently insufficient to determine the role of this variant in disease. Therefore, it has been classified as a Variant of Uncertain Significance.

NM_012330.4(KAT6B):c.457C>T (p.Arg153Ter)

Gene: KAT6B (lysine acetyltransferase 6B; plus strand). Cytogenetic location: 10q22.2.
Variant type: single nucleotide variant.
Coding change: c.457C>T on transcript NM_012330.4 (MANE Select); coding-DNA position 457, C replaced by T.
Protein change: p.Arg153Ter; replaces arginine 153 with a stop codon.
Molecular consequence: nonsense. On other transcripts: 5 prime UTR variant (2).
Genome position (GRCh38, 1-based): chr10:74,843,314, C>T. VCF-style: chr10-74843314-C-T. GRCh37 (hg19) VCF-style: chr10-76603072-C-T.
Other names: c.457C>T, p.Arg153Ter (NM_001256468.2, NM_001256469.2, NM_001370132.1 and 10 more transcripts); c.-82C>T (NM_001370134.1, NM_001370135.1); short protein forms R153*.
Identifiers: ClinVar variation 620483 (VCV000620483.10), dbSNP rs1564516087, ClinGen allele CA377400084.